The following is an entry in ClinVar:

ClinVar aggregate classification (germline): Uncertain significance (1 of 4 stars; one submission).

Allele frequency attached by ClinVar (database versions not stated): gnomAD 0.00001; gnomAD exomes 0.00006; TOPMed 0.00007; ExAC 0.00011.
gnomAD v4.1: 37 of 1,613,904 alleles (0.0023%); highest among the groups gnomAD compares: Admixed American, 0.06%; no homozygotes.

Submission:

Labcorp Genetics (formerly Invitae), Labcorp
Classification: Uncertain significance. Last evaluated: 2025-12-11. Review status: criteria provided, single submitter. Criteria: Invitae Variant Classification Sherloc (09022015). Collection method: clinical testing. Allele origin: germline.
Comment: This sequence change replaces threonine, which is neutral and polar, with alanine, which is neutral and non-polar, at codon 36 of the IL18BP protein (p.Thr36Ala). This variant is present in population databases (rs749581926, gnomAD 0.09%), and has an allele count higher than expected for a pathogenic variant. This variant has not been reported in the literature in individuals affected with IL18BP-related conditions. ClinVar contains an entry for this variant (Variation ID: 2070896). An algorithm developed to predict the effect of missense changes on protein structure and function outputs the following: PolyPhen-2: "Benign". The alanine amino acid residue is found in multiple mammalian species, which suggests that this missense change does not adversely affect protein function. In summary, the available evidence is currently insufficient to determine the role of this variant in disease. Therefore, it has been classified as a Variant of Uncertain Significance.

NM_001039660.2(IL18BP):c.106A>G (p.Thr36Ala)

Gene: IL18BP (interleukin 18 binding protein; plus strand). Cytogenetic location: 11q13.4.
Variant type: single nucleotide variant.
Coding change: c.106A>G on transcript NM_001039660.2 (MANE Select); coding-DNA position 106, A replaced by G.
Protein change: p.Thr36Ala; replaces threonine 36 with alanine.
Molecular consequence: missense variant.
Genome position (GRCh38, 1-based): chr11:72,000,428, A>G. VCF-style: chr11-72000428-A-G. GRCh37 (hg19) VCF-style: chr11-71711474-A-G.
Other names: c.106A>G, p.Thr36Ala (NM_001039659.2, NM_001145055.1, NM_001145057.1 and 3 more transcripts); short protein forms T36A.
Identifiers: ClinVar variation 2070896 (VCV002070896.4), dbSNP rs749581926, ClinGen allele CA6166115.